The following is an entry in ClinVar:

NM_004655.4(AXIN2):c.2405+2T>C

Gene: AXIN2 (axin 2; minus strand). Cytogenetic location: 17q24.1.
Variant type: single nucleotide variant.
Coding change: c.2405+2T>C on transcript NM_004655.4 (MANE Select); the canonical splice donor site of the intron after coding-DNA position 2405, T replaced by C.
Molecular consequence: splice donor variant.
Genome position (GRCh38, 1-based): chr17:65,533,910, A>G on the plus strand (T>C on the coding strand, the complement: AXIN2 is on the minus strand). VCF-style: chr17-65533910-A-G. GRCh37 (hg19) VCF-style: chr17-63530028-A-G.
Other names: c.2210+2T>C (NM_001363813.1).
Identifiers: ClinVar variation 2817219 (VCV002817219.3), dbSNP rs2509388271, ClinGen allele CA400675306.

ClinVar aggregate classification (germline): Uncertain significance (1 of 4 stars; one submission).

Conditions:
Oligodontia-cancer predisposition syndrome. Also called: TOOTH AGENESIS-COLORECTAL CANCER SYNDROME. Identifiers: Orphanet 300576, MedGen C1837750, MONDO:0012075, OMIM 608615. Disease mechanism: loss of function.

Submission:

Labcorp Genetics (formerly Invitae), Labcorp
Classification: Uncertain significance for Oligodontia-cancer predisposition syndrome. Last evaluated: 2022-11-29. Review status: criteria provided, single submitter. Criteria: Invitae Variant Classification Sherloc (09022015). Collection method: clinical testing. Allele origin: germline.
Comment: This sequence change affects a donor splice site in intron 10 of the AXIN2 gene. While this variant is not anticipated to result in nonsense mediated decay, it likely alters RNA splicing and results in a disrupted protein product. This variant is not present in population databases (gnomAD no frequency). This variant has not been reported in the literature in individuals affected with AXIN2-related conditions. Variants that disrupt the consensus splice site are a relatively common cause of aberrant splicing (PMID: 17576681, 9536098). Algorithms developed to predict the effect of sequence changes on RNA splicing suggest that this variant may disrupt the consensus splice site. In summary, the available evidence is currently insufficient to determine the role of this variant in disease. Therefore, it has been classified as a Variant of Uncertain Significance.

Literature cited by the submitters: PubMed 17576681; PubMed 9536098.